The following is an entry in ClinVar:

NM_000512.5(GALNS):c.1375G>A (p.Ala459Thr)

Genes: GALNS (galactosamine (N-acetyl)-6-sulfatase; minus strand), LOC126862447 (CDK7 strongly-dependent group 2 enhancer GRCh37_chr16:88884193-88885392; plus strand). Cytogenetic location: 16q24.3.
Variant type: single nucleotide variant.
Coding change: c.1375G>A on transcript NM_000512.5 (MANE Select); coding-DNA position 1375, G replaced by A.
Protein change: p.Ala459Thr; replaces alanine 459 with threonine.
Molecular consequence: missense variant.
Genome position (GRCh38, 1-based): chr16:88,818,114, C>T on the plus strand (G>A on the coding strand, the complement: GALNS is on the minus strand). VCF-style: chr16-88818114-C-T. GRCh37 (hg19) VCF-style: chr16-88884522-C-T.
Other names: c.820G>A, p.Ala274Thr (NM_001323543.2); c.1393G>A, p.Ala465Thr (NM_001323544.2); c.1375G>A (NM_000512.4); short protein forms A274T, A459T, A465T.
Identifiers: ClinVar variation 1062322 (VCV001062322.5), dbSNP rs750739641, ClinGen allele CA8234680.

ClinVar aggregate classification (germline): Conflicting classifications of pathogenicity. Review status: criteria provided, conflicting classifications (1 of 4 stars). 3 submissions from 3 submitters: Uncertain significance (1); Likely benign (2). Last evaluated 2024-07-08.

Conditions:
Inborn genetic diseases. Identifiers: MedGen C0950123, MeSH D030342.
Mucopolysaccharidosis, MPS-IV-A (MPS4A). Also called: Mucopolysaccharidosis type IV A; MPS IVA; Mucopolysaccharidosis Type IVA; GALACTOSAMINE-6-SULFATASE DEFICIENCY; GALNS DEFICIENCY; Morquio syndrome A, mild. Identifiers: Orphanet 309297, Orphanet 582, MedGen C0086651, MONDO:0009659, OMIM 253000.

Allele frequency attached by ClinVar (database versions not stated): TOPMed 0.00006; ExAC 0.00007; gnomAD exomes 0.00007; gnomAD 0.00009.
gnomAD v4.1: 102 of 1,572,688 alleles (0.0065%); highest among the groups gnomAD compares: Non-Finnish European, 0.0076%; no homozygotes.

Submissions (3):

Blueprint Genetics
Classification: Likely benign. Last evaluated: 2024-07-08. Review status: criteria provided, single submitter. Criteria: ACMG Guidelines, 2015. Collection method: clinical testing. Allele origin: germline.

Labcorp Genetics (formerly Invitae), Labcorp
Classification: Uncertain significance for Mucopolysaccharidosis, MPS-IV-A. Last evaluated: 2021-12-29. Review status: criteria provided, single submitter. Criteria: Invitae Variant Classification Sherloc (09022015). Collection method: clinical testing. Allele origin: germline.
Comment: This sequence change replaces alanine, which is neutral and non-polar, with threonine, which is neutral and polar, at codon 459 of the GALNS protein (p.Ala459Thr). The frequency data for this variant in the population databases is considered unreliable, as metrics indicate poor data quality at this position in the gnomAD database. This variant has not been reported in the literature in individuals affected with GALNS-related conditions. ClinVar contains an entry for this variant (Variation ID: 1062322). Advanced modeling of protein sequence and biophysical properties (such as structural, functional, and spatial information, amino acid conservation, physicochemical variation, residue mobility, and thermodynamic stability) performed at Invitae indicates that this missense variant is not expected to disrupt GALNS protein function. In summary, the available evidence is currently insufficient to determine the role of this variant in disease. Therefore, it has been classified as a Variant of Uncertain Significance.

Ambry Genetics
Classification: Likely benign for Inborn genetic diseases. Last evaluated: 2021-12-16. Review status: criteria provided, single submitter. Criteria: Ambry Variant Classification Scheme 2023. Collection method: clinical testing. Allele origin: germline.